The following is an entry in ClinVar:

ClinVar aggregate classification (germline): Likely benign. Review status: criteria provided, multiple submitters, no conflicts (2 of 4 stars). 3 submissions from 3 submitters: Likely benign (3). Last evaluated 2024-10-07.

Conditions:
Familial cancer of breast. Also called: Hereditary breast cancer; hereditary breast carcinoma; BREAST CANCER, FAMILIAL. Identifiers: Orphanet 227535, MedGen C0346153, MONDO:0016419, OMIM 114480. Disease mechanism: loss of function.

Allele frequency attached by ClinVar (database versions not stated): gnomAD exomes below 0.00001.
gnomAD v4.1: 1 of 1,612,500 alleles (0.000062%); highest among the groups gnomAD compares: Non-Finnish European, 0.000085%; no homozygotes.

Submissions (3):

Myriad Genetics, Inc.
Classification: Likely benign for Familial cancer of breast. Last evaluated: 2024-10-07. Review status: criteria provided, single submitter. Criteria: Myriad Autosomal Dominant, Autosomal Recessive and X-Linked Classification Criteria (2023). Collection method: clinical testing. Allele origin: unknown.
Comment: This variant is considered likely benign. This variant is intronic and is not expected to impact mRNA splicing.

Labcorp Genetics (formerly Invitae), Labcorp
Classification: Likely benign for Familial cancer of breast. Last evaluated: 2022-02-18. Review status: criteria provided, single submitter. Criteria: Invitae Variant Classification Sherloc (09022015). Collection method: clinical testing. Allele origin: germline.

GeneDx
Classification: Likely benign. Last evaluated: 2016-10-24. Review status: criteria provided, single submitter. Criteria: GeneDx Variant Classification (06012015). Collection method: clinical testing. Allele origin: germline. Affected: yes.
Comment: This variant is considered likely benign or benign based on one or more of the following criteria: it is a conservative change, it occurs at a poorly conserved position in the protein, it is predicted to be benign by multiple in silico algorithms, and/or has population frequency not consistent with disease.

NM_007194.4(CHEK2):c.1259+7A>G

Gene: CHEK2 (checkpoint kinase 2; minus strand). Cytogenetic location: 22q12.1.
Variant type: single nucleotide variant.
Coding change: c.1259+7A>G on transcript NM_007194.4 (MANE Select); 7 bases into the intron after coding-DNA position 1259, A replaced by G.
Molecular consequence: intron variant.
Genome position (GRCh38, 1-based): chr22:28,695,703, T>C on the plus strand (A>G on the coding strand, the complement: CHEK2 is on the minus strand). VCF-style: chr22-28695703-T-C. GRCh37 (hg19) VCF-style: chr22-29091691-T-C.
Other names: c.596+7A>G (NM_001437942.1, NM_001257387.3); c.1058+7A>G (NM_001349956.3); c.1172+7A>G (NM_145862.3); c.1265+7A>G (NM_001438295.1); c.1352+7A>G (NM_001438293.1); c.1301+7A>G (NM_001438294.1); c.1388+7A>G (NM_001005735.3).
Identifiers: ClinVar variation 390385 (VCV000390385.10), dbSNP rs1057523752, ClinGen allele CA16608142.